The following is an entry in ClinVar:

ClinVar aggregate classification (germline): Conflicting classifications of pathogenicity. Review status: criteria provided, conflicting classifications (1 of 4 stars). 2 submissions from 2 submitters: Uncertain significance (1); Likely benign (1). Last evaluated 2026-04-21.

Conditions:
Familial thoracic aortic aneurysm and aortic dissection (TAAD). Also called: Thoracic aortic aneurysms and dissections. Identifiers: Orphanet 91387, MedGen C4707243, MONDO:0019625.
Ehlers-Danlos syndrome, kyphoscoliotic type 1 (EDSKSCL1). Also called: EHLERS-DANLOS SYNDROME, OCULAR-SCOLIOTIC TYPE; PLOD1-Related Kyphoscoliotic Ehlers-Danlos Syndrome; EHLERS-DANLOS SYNDROME, TYPE VIA; Ehlers-Danlos syndrome, hydroxylysine-deficient. Identifiers: Orphanet 1900, MedGen C0268342, MONDO:0016002, OMIM 225400. Disease mechanism: loss of function.

Allele frequency attached by ClinVar (database versions not stated): gnomAD exomes below 0.00001.
gnomAD v4.1: 4 of 1,586,228 alleles (0.00025%); highest among the groups gnomAD compares: Non-Finnish European, 0.00034%; no homozygotes.

Submissions (2):

Ambry Genetics
Classification: Uncertain significance for Familial thoracic aortic aneurysm and aortic dissection. Last evaluated: 2026-04-21. Review status: criteria provided, single submitter. Criteria: Ambry Variant Classification Scheme 2023. Collection method: clinical testing. Allele origin: germline.
Comment: The c.1098-5T>C intronic variant results from a T to C substitution 5 nucleotides upstream from coding exon 11 in the PLOD1 gene. This nucleotide position is not well conserved in available vertebrate species. In silico splice site analysis predicts that this alteration will not have any significant effect on splicing. Based on the available evidence, the clinical significance of this variant remains unclear.

Labcorp Genetics (formerly Invitae), Labcorp
Classification: Likely benign for Ehlers-Danlos syndrome, kyphoscoliotic type 1. Last evaluated: 2023-03-22. Review status: criteria provided, single submitter. Criteria: Invitae Variant Classification Sherloc (09022015). Collection method: clinical testing. Allele origin: germline.

NM_000302.4(PLOD1):c.1098-5T>C

Gene: PLOD1 (procollagen-lysine,2-oxoglutarate 5-dioxygenase 1; plus strand). Cytogenetic location: 1p36.22.
Variant type: single nucleotide variant.
Coding change: c.1098-5T>C on transcript NM_000302.4 (MANE Select); 5 bases into the intron before coding-DNA position 1098, T replaced by C.
Molecular consequence: intron variant.
Genome position (GRCh38, 1-based): chr1:11,963,527, T>C. VCF-style: chr1-11963527-T-C. GRCh37 (hg19) VCF-style: chr1-12023584-T-C.
Other names: c.1239-5T>C (NM_001316320.2); c.1098-5T>C (NM_000302.3).
Identifiers: ClinVar variation 2885146 (VCV002885146.4), dbSNP rs2522849891, ClinGen allele CA2643318419.
Genomic context (GRCh38, chr1:11,963,527, plus strand): 5'-AGATGTGAGCAGCCACCAGTAGCTCCAGGATCAGGTGCACTGACCCTGTGTCCTCCTCCT[T>C]GCAGAGACCTGTGCCGGCAGGACCGCAGCTGCACCTACTACTTCAGCGTGGATGCTGACG-3'